The following is an entry in ClinVar:

ClinVar aggregate classification (germline): Uncertain significance (1 of 4 stars; one submission).

Submission:

Labcorp Genetics (formerly Invitae), Labcorp
Classification: Uncertain significance. Last evaluated: 2022-11-02. Review status: criteria provided, single submitter. Criteria: Invitae Variant Classification Sherloc (09022015). Collection method: clinical testing. Allele origin: germline.
Comment: In summary, the available evidence is currently insufficient to determine the role of this variant in disease. Therefore, it has been classified as a Variant of Uncertain Significance. Algorithms developed to predict the effect of missense changes on protein structure and function are either unavailable or do not agree on the potential impact of this missense change (SIFT: "Deleterious"; PolyPhen-2: "Probably Damaging"; Align-GVGD: "Class C0"). This variant has not been reported in the literature in individuals affected with ZNF469-related conditions. This variant is not present in population databases (gnomAD no frequency). This sequence change replaces arginine, which is basic and polar, with leucine, which is neutral and non-polar, at codon 1023 of the ZNF469 protein (p.Arg1023Leu).

NM_001367624.2(ZNF469):c.3068G>T (p.Arg1023Leu)

Gene: ZNF469 (zinc finger protein 469; plus strand). Cytogenetic location: 16q24.2.
Variant type: single nucleotide variant.
Coding change: c.3068G>T on transcript NM_001367624.2 (MANE Select); coding-DNA position 3068, G replaced by T.
Protein change: p.Arg1023Leu; replaces arginine 1023 with leucine.
Molecular consequence: missense variant.
Genome position (GRCh38, 1-based): chr16:88,430,538, G>T. VCF-style: chr16-88430538-G-T. GRCh37 (hg19) VCF-style: chr16-88496946-G-T.
Other names: short protein forms R1023L.
Identifiers: ClinVar variation 2811528 (VCV002811528.3), dbSNP rs1906081661, ClinGen allele CA397077198.